The following is an entry in ClinVar:

NM_000256.3(MYBPC3):c.2309-12del

Gene: MYBPC3 (myosin binding protein C3; minus strand). Cytogenetic location: 11p11.2.
Variant type: Deletion.
Coding change: c.2309-12del on transcript NM_000256.3 (MANE Select); 12 bases into the intron before coding-DNA position 2309, one base deleted (C; older notation c.2309-12delC).
Molecular consequence: intron variant.
Genome position (GRCh38, 1-based): chr11:47,337,806, G deleted on the plus strand (C on the coding strand, the reverse complement: MYBPC3 is on the minus strand); the first of 3 consecutive G bases (chr11:47,337,806-47,337,808); deleting any one gives the same sequence. VCF-style (leftmost placement, unchanged base first): chr11-47337805-TG-T. GRCh37 (hg19) VCF-style: chr11-47359356-TG-T.
Identifiers: ClinVar variation 3074045 (VCV003074045.1), dbSNP rs2495750674, ClinGen allele CA2825002010.

ClinVar aggregate classification (germline): Uncertain significance (1 of 4 stars; one submission).

Conditions:
Hypertrophic cardiomyopathy. Also called: HYPERTROPHIC MYOCARDIOPATHY. Identifiers: Orphanet 217569, MedGen C0007194, MeSH D002312, MONDO:0005045, HP:0001639.

Submission:

All of Us Research Program, National Institutes of Health
Classification: Uncertain significance for Hypertrophic cardiomyopathy. Last evaluated: 2023-10-23. Review status: criteria provided, single submitter. Criteria: ACMG Guidelines, 2015. Collection method: clinical testing. Allele origin: germline. Inheritance: Autosomal dominant inheritance. Observed: 1 variant allele, 1 heterozygote.
Comment: This variant causes a deletion of 1 nucleotide in intron 23 of the MYBPC3 gene. To our knowledge, functional studies have not been reported for this variant. This variant has not been reported in individuals affected with MYBPC3-related disorders in the literature. This variant has not been identified in the general population by the Genome Aggregation Database (gnomAD). The available evidence is insufficient to determine the role of this variant in disease conclusively. Therefore, this variant is classified as a Variant of Uncertain Significance.

This study involves interpretation of variants in research participants for the purpose of population health screening. Participant phenotype was not available at the time of variant classification. Additional details can be found in publication PMID: 35346344, PMCID: PMC8962531